The following is an entry in ClinVar:

ClinVar aggregate classification (germline): Likely benign (1 of 4 stars; one submission).

Allele frequency attached by ClinVar (database versions not stated): gnomAD exomes 0.00009; ExAC 0.00011; ESP Exome Variant Server 0.00028; 1000 Genomes Project 0.00053; gnomAD 0.00060; 1000 Genomes Project 30x 0.00146.
gnomAD v4.1: 170 of 1,209,968 alleles (0.014%); highest among the groups gnomAD compares: African/African-American, 0.16%; 1 homozygote.

Submission:

CeGaT Center for Human Genetics Tuebingen
Classification: Likely benign. Last evaluated: 2022-05-01. Review status: criteria provided, single submitter. Criteria: CeGaT Center For Human Genetics Tuebingen Variant Classification Criteria Version 2. Collection method: clinical testing. Allele origin: germline. Affected: yes. Observed: 1 variant allele.
Comment: ZXDB: BP4, BP7

NM_007157.4(ZXDB):c.1284T>C (p.Phe428=)

Gene: ZXDB (zinc finger X-linked duplicated B; plus strand). Cytogenetic location: Xp11.21.
Variant type: single nucleotide variant.
Coding change: c.1284T>C on transcript NM_007157.4 (MANE Select); coding-DNA position 1284, T replaced by C.
Protein change: p.Phe428=; no amino-acid change (phenylalanine 428 retained).
Molecular consequence: synonymous variant.
Genome position (GRCh38, 1-based): chrX:57,593,332, T>C. VCF-style: chrX-57593332-T-C. GRCh37 (hg19) VCF-style: chrX-57619765-T-C.
Identifiers: ClinVar variation 2660730 (VCV002660730.24), dbSNP rs377295422, ClinGen allele CA10431210.